The following is an entry in ClinVar:

ClinVar aggregate classification (germline): Uncertain significance (1 of 4 stars; one submission).

gnomAD v4.1: 3 of 1,614,190 alleles (0.00019%); highest among the groups gnomAD compares: Non-Finnish European, 0.00025%; no homozygotes.

Submission:

Ambry Genetics
Classification: Uncertain significance. Last evaluated: 2023-08-30. Review status: criteria provided, single submitter. Criteria: Ambry Variant Classification Scheme 2023. Collection method: clinical testing. Allele origin: germline.
Comment: The p.A608G variant (also known as c.1823C>G), located in coding exon 3 of the ALPK2 gene, results from a C to G substitution at nucleotide position 1823. The alanine at codon 608 is replaced by glycine, an amino acid with similar properties. This amino acid position is conserved. In addition, this alteration is predicted to be tolerated by in silico analysis. Since supporting evidence is limited at this time, the clinical significance of this alteration remains unclear.

NM_052947.4(ALPK2):c.1823C>G (p.Ala608Gly)

Gene: ALPK2 (alpha kinase 2; minus strand). Cytogenetic location: 18q21.31.
Variant type: single nucleotide variant.
Coding change: c.1823C>G on transcript NM_052947.4 (MANE Select); coding-DNA position 1823, C replaced by G.
Protein change: p.Ala608Gly; replaces alanine 608 with glycine.
Molecular consequence: missense variant.
Genome position (GRCh38, 1-based): chr18:58,578,953, G>C on the plus strand (C>G on the coding strand, the complement: ALPK2 is on the minus strand). VCF-style: chr18-58578953-G-C. GRCh37 (hg19) VCF-style: chr18-56246185-G-C.
Other names: short protein forms A608G.
Identifiers: ClinVar variation 1780791 (VCV001780791.3), dbSNP rs747850426, ClinGen allele CA402559978.
Genomic context (GRCh38, chr18:58,578,953, plus strand): 5'-GTGTTGCCTTCTTTGGAGACTGAGTCTGTTGAAGTTTGAAGGGTTTTTGCTTCTTGCTCT[G>C]CCTGGGTTGAAATAGCACATTCTCTTGCATCAGCATGGGAACTCCGACCAGTCGCTGCTG-3'
Protein context (NP_443179.3, residues 598-618): DARECAISTQ[Ala608Gly]EQEAKTLQTS